The following is an entry in ClinVar:

NM_000243.3(MEFV):c.949G>A (p.Ala317Thr)

Gene: MEFV (MEFV innate immunity regulator, pyrin; minus strand). Cytogenetic location: 16p13.3.
Variant type: single nucleotide variant.
Coding change: c.949G>A on transcript NM_000243.3 (MANE Select); coding-DNA position 949, G replaced by A.
Protein change: p.Ala317Thr; replaces alanine 317 with threonine.
Molecular consequence: missense variant.
Genome position (GRCh38, 1-based): chr16:3,249,742, C>T on the plus strand (G>A on the coding strand, the complement: MEFV is on the minus strand). VCF-style: chr16-3249742-C-T. GRCh37 (hg19) VCF-style: chr16-3299742-C-T.
Other names: c.316G>A, p.Ala106Thr (NM_001198536.2); short protein forms A106T, A317T.
Identifiers: ClinVar variation 2173337 (VCV002173337.1), dbSNP rs200527263, ClinGen allele CA7860266.

ClinVar aggregate classification (germline): Uncertain significance (1 of 4 stars; one submission).

Conditions:
Familial Mediterranean fever (FMF). Also called: POLYSEROSITIS, FAMILIAL PAROXYSMAL; POLYSEROSITIS, RECURRENT; Periodic peritonitis; Benign paroxysmal peritonitis. Identifiers: Orphanet 342, MedGen C0031069, MONDO:0018088, OMIM 249100. Disease mechanism: gain of function.

Allele frequency attached by ClinVar (database versions not stated): TOPMed below 0.00001.
gnomAD v4.1: 16 of 1,613,916 alleles (0.00099%); highest among the groups gnomAD compares: South Asian, 0.0033%; no homozygotes.

Submission:

Labcorp Genetics (formerly Invitae), Labcorp
Classification: Uncertain significance for Familial Mediterranean fever. Last evaluated: 2022-01-16. Review status: criteria provided, single submitter. Criteria: Invitae Variant Classification Sherloc (09022015). Collection method: clinical testing. Allele origin: germline.
Comment: This sequence change replaces alanine, which is neutral and non-polar, with threonine, which is neutral and polar, at codon 317 of the MEFV protein (p.Ala317Thr). This variant is present in population databases (rs200527263, gnomAD 0.003%). This variant has not been reported in the literature in individuals affected with MEFV-related conditions. Algorithms developed to predict the effect of missense changes on protein structure and function output the following: SIFT: "Tolerated"; PolyPhen-2: "Benign"; Align-GVGD: "Class C0". The threonine amino acid residue is found in multiple mammalian species, which suggests that this missense change does not adversely affect protein function. In summary, the available evidence is currently insufficient to determine the role of this variant in disease. Therefore, it has been classified as a Variant of Uncertain Significance.